The following is an entry in ClinVar:

NM_000719.7(CACNA1C):c.49+5G>A

Gene: CACNA1C (calcium voltage-gated channel subunit alpha1 C; plus strand). Cytogenetic location: 12p13.33.
Variant type: single nucleotide variant.
Coding change: c.49+5G>A on transcript NM_000719.7 (MANE Select); 5 bases into the intron after coding-DNA position 49, G replaced by A.
Molecular consequence: intron variant.
Genome position (GRCh38, 1-based): chr12:2,053,616, G>A. VCF-style: chr12-2053616-G-A. GRCh37 (hg19) VCF-style: chr12-2162782-G-A.
Other names: c.49+5G>A (NM_001167624.3, NM_001167623.2, NM_001167625.2 and 19 more transcripts).
Identifiers: ClinVar variation 1743984 (VCV001743984.2), dbSNP rs757717013, ClinGen allele CA6388358.

ClinVar aggregate classification (germline): Uncertain significance (1 of 4 stars; one submission).

Conditions:
Cardiovascular phenotype. Identifiers: MedGen CN230736.

Allele frequency attached by ClinVar (database versions not stated): ExAC 0.00002.
gnomAD v4.1: 2 of 1,588,944 alleles (0.00013%); highest among the groups gnomAD compares: South Asian, 0.0012%; no homozygotes.

Submission:

Ambry Genetics
Classification: Uncertain significance for Cardiovascular phenotype. Last evaluated: 2022-10-24. Review status: criteria provided, single submitter. Criteria: Ambry Variant Classification Scheme 2023. Collection method: clinical testing. Allele origin: germline.
Comment: The c.49+5G>A intronic variant results from a G to A substitution 5 nucleotides after coding exon 1 in the CACNA1C gene. This nucleotide position is highly conserved in available vertebrate species. In silico splice site analysis predicts that this alteration will not have any significant effect on splicing. Since supporting evidence is limited at this time, the clinical significance of this alteration remains unclear.